The following is an entry in ClinVar:

NM_001113378.2(FANCI):c.1358C>T (p.Ser453Phe)

Gene: FANCI (FA complementation group I; plus strand). Cytogenetic location: 15q26.1.
Variant type: single nucleotide variant.
Coding change: c.1358C>T on transcript NM_001113378.2 (MANE Select); coding-DNA position 1358, C replaced by T.
Protein change: p.Ser453Phe; replaces serine 453 with phenylalanine.
Molecular consequence: missense variant.
Genome position (GRCh38, 1-based): chr15:89,278,751, C>T. VCF-style: chr15-89278751-C-T. GRCh37 (hg19) VCF-style: chr15-89821982-C-T.
Other names: c.1079C>T, p.Ser360Phe (NM_001376910.1); c.1358C>T, p.Ser453Phe (NM_001376911.1, NM_018193.3); short protein forms S453F, S360F.
Identifiers: ClinVar variation 3717419 (VCV003717419.2).

ClinVar aggregate classification (germline): Uncertain significance (1 of 4 stars; one submission).

Conditions:
Fanconi anemia (FA). Also called: Fanconi's anemia. Identifiers: Orphanet 84, MedGen C0015625, MeSH D005199, MONDO:0019391.

gnomAD v4.1: 3 of 1,613,574 alleles (0.00019%); highest among the groups gnomAD compares: South Asian, 0.0033%; no homozygotes.

Submission:

Labcorp Genetics (formerly Invitae), Labcorp
Classification: Uncertain significance for Fanconi anemia. Last evaluated: 2024-10-30. Review status: criteria provided, single submitter. Criteria: Invitae Variant Classification Sherloc (09022015). Collection method: clinical testing. Allele origin: germline.
Comment: This sequence change replaces serine, which is neutral and polar, with phenylalanine, which is neutral and non-polar, at codon 453 of the FANCI protein (p.Ser453Phe). This variant is not present in population databases (gnomAD no frequency). This variant has not been reported in the literature in individuals affected with FANCI-related conditions. Invitae Evidence Modeling of protein sequence and biophysical properties (such as structural, functional, and spatial information, amino acid conservation, physicochemical variation, residue mobility, and thermodynamic stability) indicates that this missense variant is expected to disrupt FANCI protein function with a positive predictive value of 80%. Algorithms developed to predict the effect of sequence changes on RNA splicing suggest that this variant may disrupt the consensus splice site. In summary, the available evidence is currently insufficient to determine the role of this variant in disease. Therefore, it has been classified as a Variant of Uncertain Significance.